The following is an entry in ClinVar:

NM_138927.4(SON):c.2210C>T (p.Ala737Val)

Gene: SON (SON DNA and RNA binding protein; plus strand). Cytogenetic location: 21q22.11.
Variant type: single nucleotide variant.
Coding change: c.2210C>T on transcript NM_138927.4 (MANE Select); coding-DNA position 2210, C replaced by T.
Protein change: p.Ala737Val; replaces alanine 737 with valine.
Molecular consequence: missense variant. On other transcripts: non-coding transcript variant (1), intron variant (1).
Genome position (GRCh38, 1-based): chr21:33,551,441, C>T. VCF-style: chr21-33551441-C-T. GRCh37 (hg19) VCF-style: chr21-34923747-C-T.
Other names: c.2210C>T (NM_138927.2); c.2210C>T, p.Ala737Val (NM_001291411.2, NM_032195.3); c.244+5062C>T (NM_001291412.3); short protein forms A737V.
Identifiers: ClinVar variation 1433269 (VCV001433269.8), dbSNP rs143709811, ClinGen allele CA10009050.

ClinVar aggregate classification (germline): Benign. Review status: criteria provided, single submitter (1 of 4 stars). 2 submissions from 2 submitters: Benign (1). 1 of the submissions does not count toward it. Last evaluated 2025-10-08.

Conditions:
SON-related disorder. Also called: SON-related condition.

Allele frequency attached by ClinVar (database versions not stated): gnomAD exomes 0.00002 and 0.00006; ExAC 0.00010; TOPMed 0.00010; gnomAD 0.00011; ESP Exome Variant Server 0.00023; 1000 Genomes Project 0.00040; 1000 Genomes Project 30x 0.00047.
gnomAD v4.1: 48 of 1,614,090 alleles (0.003%); highest among the groups gnomAD compares: African/African-American, 0.032%; no homozygotes.

Submissions (2):

Labcorp Genetics (formerly Invitae), Labcorp
Classification: Benign. Last evaluated: 2025-10-08. Review status: criteria provided, single submitter. Criteria: Invitae Variant Classification Sherloc (09022015). Collection method: clinical testing. Allele origin: germline.

PreventionGenetics, part of Exact Sciences
Classification: Likely benign for SON-related condition. Last evaluated: 2021-01-10. Review status: no assertion criteria provided. Collection method: clinical testing. Allele origin: germline. Not counted in ClinVar's aggregate classification.
Comment: This variant is classified as likely benign based on ACMG/AMP sequence variant interpretation guidelines (Richards et al. 2015 PMID: 25741868, with internal and published modifications).